The following is an entry in ClinVar:

NM_001134831.2(AHI1):c.2879C>A (p.Ser960Tyr)

Gene: AHI1 (Abelson helper integration site 1; minus strand). Cytogenetic location: 6q23.3.
Variant type: single nucleotide variant.
Coding change: c.2879C>A on transcript NM_001134831.2 (MANE Select); coding-DNA position 2879, C replaced by A.
Protein change: p.Ser960Tyr; replaces serine 960 with tyrosine.
Molecular consequence: missense variant.
Genome position (GRCh38, 1-based): chr6:135,411,430, G>T on the plus strand (C>A on the coding strand, the complement: AHI1 is on the minus strand). VCF-style: chr6-135411430-G-T. GRCh37 (hg19) VCF-style: chr6-135732568-G-T.
Other names: c.2879C>A, p.Ser960Tyr (NM_001134830.2, NM_001134832.2, NM_001350503.2 and 2 more transcripts); short protein forms S960Y.
Identifiers: ClinVar variation 1377628 (VCV001377628.4), dbSNP rs764830616, ClinGen allele CA4012247.

ClinVar aggregate classification (germline): Uncertain significance. Review status: criteria provided, multiple submitters, no conflicts (2 of 4 stars). 2 submissions from 2 submitters: Uncertain significance (2). Last evaluated 2024-04-08.

Conditions:
Joubert syndrome. Also called: Familial aplasia of the vermis; JOUBERT-BOLTSHAUSER SYNDROME. Identifiers: Orphanet 475, MedGen C5979921, MONDO:0018772.

Allele frequency attached by ClinVar (database versions not stated): ExAC 0.00001; gnomAD 0.00001; TOPMed 0.00001.
gnomAD v4.1: 4 of 1,613,710 alleles (0.00025%); highest among the groups gnomAD compares: East Asian, 0.0045%; no homozygotes.

Submissions (2):

Blueprint Genetics
Classification: Uncertain significance. Last evaluated: 2024-04-08. Review status: criteria provided, single submitter. Criteria: ACMG Guidelines, 2015. Collection method: clinical testing. Allele origin: germline.

Labcorp Genetics (formerly Invitae), Labcorp
Classification: Uncertain significance for Joubert syndrome. Last evaluated: 2021-08-26. Review status: criteria provided, single submitter. Criteria: Invitae Variant Classification Sherloc (09022015). Collection method: clinical testing. Allele origin: germline.
Comment: This sequence change replaces serine with tyrosine at codon 960 of the AHI1 protein (p.Ser960Tyr). The serine residue is moderately conserved and there is a large physicochemical difference between serine and tyrosine. This variant is present in population databases (rs764830616, ExAC 0.01%). This variant has not been reported in the literature in individuals affected with AHI1-related conditions. Advanced modeling of protein sequence and biophysical properties (such as structural, functional, and spatial information, amino acid conservation, physicochemical variation, residue mobility, and thermodynamic stability) performed at Invitae indicates that this missense variant is not expected to disrupt AHI1 protein function. In summary, the available evidence is currently insufficient to determine the role of this variant in disease. Therefore, it has been classified as a Variant of Uncertain Significance.